The following is an entry in ClinVar:

ClinVar aggregate classification (germline): Pathogenic (1 of 4 stars; one submission).

Conditions:
Polycystic kidney disease, adult type (PKD1). Also called: POLYCYSTIC KIDNEY DISEASE 1 WITH OR WITHOUT POLYCYSTIC LIVER DISEASE; POLYCYSTIC KIDNEY DISEASE, ADULT, TYPE I; Polycystic Kidney Disease 1, Autosomal Dominant; Polycystic kidney disease 1; Polycystic kidney disease 1, severe; Polycystic Kidney, Autosomal Dominant. Identifiers: MedGen C3149841, MONDO:0008263, OMIM 173900.

Submission:

MVZ Medizinische Genetik Mainz
Classification: Pathogenic for Polycystic kidney disease, adult type. Last evaluated: 2025-03-25. Review status: criteria provided, single submitter. Criteria: UK Practice Guidelines For Variant Classification V4 01 2020. Collection method: clinical testing. Allele origin: germline. Inheritance: Autosomal dominant inheritance. Affected: yes. Observed: 1 variant allele.
Comment: ACMG Criteria: PVS1,PM2_SUP,PP4

NM_001009944.3(PKD1):c.3489del (p.Phe1163fs)

Gene: PKD1 (polycystin 1, transient receptor potential channel interacting; minus strand). Cytogenetic location: 16p13.3.
Variant type: Deletion.
Coding change: c.3489del on transcript NM_001009944.3 (MANE Select); coding-DNA position 3489, one base deleted (C; older notation c.3489delC).
Protein change: p.Phe1163fs; shifts the reading frame from phenylalanine 1163.
Molecular consequence: frameshift variant.
Genome position (GRCh38, 1-based): chr16:2,111,678, G deleted on the plus strand (C on the coding strand, the reverse complement: PKD1 is on the minus strand). VCF-style (leftmost placement, unchanged base first): chr16-2111677-CG-C. GRCh37 (hg19) VCF-style: chr16-2161678-CG-C.
Other names: c.3489del, p.Phe1163fs (NM_000296.4); short protein forms F1163fs.
Identifiers: ClinVar variation 3894568 (VCV003894568.1).